The following is an entry in ClinVar:

ClinVar aggregate classification (germline): Benign. Review status: criteria provided, multiple submitters, no conflicts (2 of 4 stars). 6 submissions from 6 submitters: Benign (5). 1 of the submissions does not count toward it. Last evaluated 2025-12-01.

Conditions:
AFG3L2-related disorder. Also called: AFG3L2-related condition.
Spinocerebellar ataxia type 28 (SCA28). Also called: Spinocerebellar Ataxia Type 28 (SCA28). Identifiers: Orphanet 101109, MedGen C1853249, MONDO:0012450, OMIM 610246.

Allele frequency attached by ClinVar (database versions not stated): gnomAD 0.00016 and 0.00067; TOPMed 0.00019; ESP Exome Variant Server 0.00031; gnomAD exomes 0.00112 and 0.00201; ExAC 0.00224; 1000 Genomes Project 0.00339; 1000 Genomes Project 30x 0.00406.
gnomAD v4.1: 1,739 of 1,614,064 alleles (0.11%); highest among the groups gnomAD compares: South Asian, 1.4%; 21 homozygotes.

Submissions (6):

CeGaT Center for Human Genetics Tuebingen
Classification: Benign. Last evaluated: 2025-12-01. Review status: criteria provided, single submitter. Criteria: CeGaT Center For Human Genetics Tuebingen Variant Classification Criteria Version 2. Collection method: clinical testing. Allele origin: germline. Affected: yes. Observed: 4 variant alleles.
Comment: AFG3L2: BP4, BP7, BS1, BS2

Labcorp Genetics (formerly Invitae), Labcorp
Classification: Benign. Last evaluated: 2025-10-21. Review status: criteria provided, single submitter. Criteria: Invitae Variant Classification Sherloc (09022015). Collection method: clinical testing. Allele origin: germline.

Athena Diagnostics
Classification: Benign. Last evaluated: 2025-02-13. Review status: criteria provided, single submitter. Criteria: Athena Diagnostics Criteria. Collection method: clinical testing. Allele origin: unknown.
Comment: The frequency of this variant in the general population is higher than would generally be expected for pathogenic variants in this gene.

Illumina Laboratory Services, Illumina
Classification: Benign for Spinocerebellar ataxia type 28. Last evaluated: 2018-01-13. Review status: criteria provided, single submitter. Criteria: ICSL Variant Classification Criteria 13 December 2019. Collection method: clinical testing. Allele origin: germline.
Comment: This variant was observed in the ICSL laboratory as part of a predisposition screen in an ostensibly healthy population. It had not been previously curated by ICSL or reported in the Human Gene Mutation Database (HGMD: prior to June 1st, 2018), and was therefore a candidate for classification through an automated scoring system. Utilizing variant allele frequency, disease prevalence and penetrance estimates, and inheritance mode, an automated score was calculated to assess if this variant is too frequent to cause the disease. Based on the score and internal cut-off values, a variant classified as benign is not then subjected to further curation. The score for this variant resulted in a classification of benign for this disease.

GeneDx
Classification: Benign. Last evaluated: 2015-05-06. Review status: criteria provided, single submitter. Criteria: GeneDx Variant Classification (06012015). Collection method: clinical testing. Allele origin: germline. Affected: yes.
Comment: This variant is considered likely benign or benign based on one or more of the following criteria: it is a conservative change, it occurs at a poorly conserved position in the protein, it is predicted to be benign by multiple in silico algorithms, and/or has population frequency not consistent with disease.

PreventionGenetics, part of Exact Sciences
Classification: Benign for AFG3L2-related condition. Last evaluated: 2019-06-05. Review status: no assertion criteria provided. Collection method: clinical testing. Allele origin: germline. Not counted in ClinVar's aggregate classification.
Comment: This variant is classified as benign based on ACMG/AMP sequence variant interpretation guidelines (Richards et al. 2015 PMID: 25741868, with internal and published modifications).

NM_006796.3(AFG3L2):c.498C>T (p.Ser166=)

Gene: AFG3L2 (AFG3 like matrix AAA peptidase subunit 2; minus strand). Cytogenetic location: 18p11.21.
Variant type: single nucleotide variant.
Coding change: c.498C>T on transcript NM_006796.3 (MANE Select); coding-DNA position 498, C replaced by T.
Protein change: p.Ser166=; no amino-acid change (serine 166 retained).
Molecular consequence: synonymous variant.
Genome position (GRCh38, 1-based): chr18:12,367,019, G>A on the plus strand (C>T on the coding strand, the complement: AFG3L2 is on the minus strand). VCF-style: chr18-12367019-G-A. GRCh37 (hg19) VCF-style: chr18-12367018-G-A.
Identifiers: ClinVar variation 326108 (VCV000326108.29), dbSNP rs141538541, ClinGen allele CA8896725.
Genomic context (GRCh38, chr18:12,367,019, plus strand): 5'-ACTTACTACTCCTTTTGAAAGATAGTTATTGACAAAGTCCTTCCAAGTGATTTCTCTCCC[G>A]GATCTCTTGAGCAGCAAGTAAAACATGACTCCACCCCAGAACAGAGCAGTCCAGAGGAAG-3'
Protein context (NP_006787.2, residues 156-176): GVMFYLLLKR[Ser166=]GREITWKDFV